The following is an entry in ClinVar:

NM_001206999.2(CIT):c.5460C>T (p.Ala1820=)

Gene: CIT (citron rho-interacting serine/threonine kinase; minus strand). Cytogenetic location: 12q24.23.
Variant type: single nucleotide variant.
Coding change: c.5460C>T on transcript NM_001206999.2 (MANE Select); coding-DNA position 5460, C replaced by T.
Protein change: p.Ala1820=; no amino-acid change (alanine 1820 retained).
Molecular consequence: synonymous variant.
Genome position (GRCh38, 1-based): chr12:119,701,706, G>A on the plus strand (C>T on the coding strand, the complement: CIT is on the minus strand). VCF-style: chr12-119701706-G-A. GRCh37 (hg19) VCF-style: chr12-120139511-G-A.
Other names: c.5334C>T, p.Ala1778= (NM_007174.3).
Identifiers: ClinVar variation 744996 (VCV000744996.9), dbSNP rs758358701, ClinGen allele CA6820867.
Genomic context (GRCh38, chr12:119,701,706, plus strand): 5'-CTCTCGCTGCCCTGCGCTGTTCACCTGCACGATTGAGACAGGGAAGCTGTTGGAAGAGGC[G>A]GCAAACACAGCAGGTGCCAAGGAATGGTCATTCTTATCCAGGAATTCTGTAAAGGCAGGC-3'
Protein context (NP_001193928.1, residues 1810-1830): NDHSLAPAVF[Ala1820=]ASSNSFPVSI

ClinVar aggregate classification (germline): Likely benign. Review status: criteria provided, single submitter (1 of 4 stars). 2 submissions from 2 submitters: Likely benign (1). 1 of the submissions does not count toward it. Last evaluated 2025-06-10.

Conditions:
CIT-related disorder. Also called: CIT-related condition.

Allele frequency attached by ClinVar (database versions not stated): gnomAD 0.00002; gnomAD exomes 0.00003 and 0.00010; TOPMed 0.00005; ExAC 0.00012.
gnomAD v4.1: 50 of 1,614,104 alleles (0.0031%); highest among the groups gnomAD compares: Admixed American, 0.042%; no homozygotes.

Submissions (2):

Labcorp Genetics (formerly Invitae), Labcorp
Classification: Likely benign. Last evaluated: 2025-06-10. Review status: criteria provided, single submitter. Criteria: Invitae Variant Classification Sherloc (09022015). Collection method: clinical testing. Allele origin: germline.

PreventionGenetics, part of Exact Sciences
Classification: Likely benign for CIT-related condition. Last evaluated: 2023-02-13. Review status: no assertion criteria provided. Collection method: clinical testing. Allele origin: germline. Not counted in ClinVar's aggregate classification.
Comment: This variant is classified as likely benign based on ACMG/AMP sequence variant interpretation guidelines (Richards et al. 2015 PMID: 25741868, with internal and published modifications).